The following is an entry in ClinVar:

NM_002887.4(RARS1):c.1057+235C>G

Gene: RARS1 (arginyl-tRNA synthetase 1; plus strand). Cytogenetic location: 5q34.
Variant type: single nucleotide variant.
Coding change: c.1057+235C>G on transcript NM_002887.4 (MANE Select); 235 bases into the intron after coding-DNA position 1057, C replaced by G.
Molecular consequence: intron variant.
Genome position (GRCh38, 1-based): chr5:168,502,340, C>G. VCF-style: chr5-168502340-C-G. GRCh37 (hg19) VCF-style: chr5-167929345-C-G.
Identifiers: ClinVar variation 672644 (VCV000672644.1), dbSNP rs147382615, ClinGen allele CA131940415.
Genomic context (GRCh38, chr5:168,502,340, plus strand): 5'-ATCTATAATGACTTTGGTATATGTCTCTGAAAGAACAGGACCTTCTTTCTGCCCTAAAAC[C>G]GCAATATCATTATAATAACAAATATATATATATATATATATATATTTTTTTTTTTTAAAA-3'

ClinVar aggregate classification (germline): Likely benign (1 of 4 stars; one submission).

Allele frequency attached by ClinVar (database versions not stated): 1000 Genomes Project 0.00839; 1000 Genomes Project 30x 0.01015; TOPMed 0.02233.
gnomAD v4.1: 3,251 of 146,606 alleles (2.2%); highest among the groups gnomAD compares: Non-Finnish European, 3.5%; 64 homozygotes.

Submission:

GeneDx
Classification: Likely benign. Last evaluated: 2018-06-14. Review status: criteria provided, single submitter. Criteria: GeneDx Variant Classification (06012015). Collection method: clinical testing. Allele origin: germline. Affected: yes.
Comment: This variant is considered likely benign or benign based on one or more of the following criteria: it is a conservative change, it occurs at a poorly conserved position in the protein, it is predicted to be benign by multiple in silico algorithms, and/or has population frequency not consistent with disease.